The following is an entry in ClinVar:

NM_015001.3(SPEN):c.532T>G (p.Leu178Val)

Gene: SPEN (spen family transcriptional repressor; plus strand). Cytogenetic location: 1p36.21.
Variant type: single nucleotide variant.
Coding change: c.532T>G on transcript NM_015001.3 (MANE Select); coding-DNA position 532, T replaced by G.
Protein change: p.Leu178Val; replaces leucine 178 with valine.
Molecular consequence: missense variant.
Genome position (GRCh38, 1-based): chr1:15,876,329, T>G. VCF-style: chr1-15876329-T-G. GRCh37 (hg19) VCF-style: chr1-16202824-T-G.
Other names: short protein forms L178V.
Identifiers: ClinVar variation 3572648 (VCV003572648.1).

ClinVar aggregate classification (germline): Uncertain significance (1 of 4 stars; one submission).

gnomAD v4.1: 1 of 1,613,932 alleles (0.000062%); no homozygotes.

Submission:

GeneDx
Classification: Uncertain significance. Last evaluated: 2024-07-09. Review status: criteria provided, single submitter. Criteria: GeneDx Variant Classification Process June 2021. Collection method: clinical testing. Allele origin: germline. Affected: yes.
Comment: Not observed at significant frequency in large population cohorts (gnomAD); In silico analysis indicates that this missense variant does not alter protein structure/function; Has not been previously published as pathogenic or benign to our knowledge